The following is an entry in ClinVar:

NM_000277.3(PAH):c.733_735delinsCTA (p.Val245Leu)

Gene: PAH (phenylalanine hydroxylase; minus strand). Cytogenetic location: 12q23.2.
Variant type: Indel.
Coding change: c.733_735delinsCTA on transcript NM_000277.3 (MANE Select); coding-DNA positions 733 to 735, GTG replaced by CTA.
Protein change: p.Val245Leu; replaces valine 245 with leucine.
Molecular consequence: missense variant.
Genome position (GRCh38, 1-based): chr12:102,852,922-102,852,924, CAC replaced by TAG on the plus strand (GTG replaced by CTA on the coding strand, the reverse complement: PAH is on the minus strand). VCF-style: chr12-102852922-CAC-TAG. GRCh37 (hg19) VCF-style: chr12-103246700-CAC-TAG.
Other names: c.733_735delinsCTA (NM_000277.1); c.733_735delinsCTA, p.Val245Leu (NM_001354304.2); short protein forms V245L.
Identifiers: ClinVar variation 2503911 (VCV002503911.2), dbSNP rs2499623474, ClinGen allele CA2580614529.

ClinVar aggregate classification (germline): Pathogenic. Review status: criteria provided, multiple submitters, no conflicts (2 of 4 stars). 2 submissions from 2 submitters: Pathogenic (2). Last evaluated 2026-09-01.

Conditions:
Phenylketonuria (PKU). Also called: Phenylketonuria (PKU); FOLLING DISEASE; OLIGOPHRENIA PHENYLPYRUVICA; Phenylketonurias. Identifiers: Orphanet 716, MedGen C0031485, MONDO:0009861, OMIM 261600. Disease mechanism: loss of function.

Submissions (2):

CeGaT Center for Human Genetics Tuebingen
Classification: Pathogenic. Last evaluated: 2026-09-01. Review status: criteria provided, single submitter. Criteria: CeGaT Center For Human Genetics Tuebingen Variant Classification Criteria Version 2. Collection method: clinical testing. Allele origin: germline. Affected: yes. Observed: 1 variant allele.
Comment: PAH: PM1, PM2, PM3, PM5, PP4:Moderate, PS3:Supporting

Women's Health and Genetics/Laboratory Corporation of America, LabCorp
Classification: Pathogenic for Phenylketonuria. Last evaluated: 2023-04-05. Review status: criteria provided, single submitter. Criteria: LabCorp Variant Classification Summary - May 2015. Collection method: clinical testing. Allele origin: germline.
Comment: Variant summary: PAH c.733_735delinsCTA (p.Val245Leu) results in a conservative amino acid change located in the Aromatic amino acid hydroxylase, C-terminal domain (IPR019774) of the encoded protein sequence. Four of five in-silico tools predict a damaging effect of the variant on protein function. The variant allele was found at a frequency of 4e-06 in 251200 control chromosomes (gnomAD). p.Val245Leu has been reported in the literature in individuals affected with Phenylalanine Hydroxylase Deficiency (Phenylketonuria) (example: Quirk_2012 and Grange_2014). These data indicate that the variant may be associated with disease. At least one publication reports experimental evidence evaluating an impact on protein function. The most pronounced variant effect results in <10% of normal activity (example: Pey_2007). A different variant resulting in the same amino acid change (c.733G>C, p.Val245Leu) is classified pathogenic internally and in ClinVar. Additionally, other variants affecting the same amino acid (p.V245M, p.245E) are associated with phenylketonuria in HGMD, suggesting this residue is critical for normal protein function. No clinical diagnostic laboratories have submitted clinical-significance assessments for this variant to ClinVar after 2014. Based on the evidence outlined above, the variant was classified as pathogenic.

Literature cited by the submitters: PubMed 22841515 (cited by Women's Health and Genetics/Laboratory Corporation of America, LabCorp); PubMed 8659548 (cited by Women's Health and Genetics/Laboratory Corporation of America, LabCorp); PubMed 9012412 (cited by Women's Health and Genetics/Laboratory Corporation of America, LabCorp); PubMed 10429004 (cited by Women's Health and Genetics/Laboratory Corporation of America, LabCorp); PubMed 24667082 (cited by Women's Health and Genetics/Laboratory Corporation of America, LabCorp); PubMed 17924342 (cited by Women's Health and Genetics/Laboratory Corporation of America, LabCorp).